The following is an entry in ClinVar:

NM_000827.4(GRIA1):c.1694G>A (p.Trp565Ter)

Gene: GRIA1 (glutamate ionotropic receptor AMPA type subunit 1; plus strand). Cytogenetic location: 5q33.2.
Variant type: single nucleotide variant.
Coding change: c.1694G>A on transcript NM_000827.4 (MANE Select); coding-DNA position 1694, G replaced by A.
Protein change: p.Trp565Ter; replaces tryptophan 565 with a stop codon.
Molecular consequence: nonsense. On other transcripts: non-coding transcript variant (2).
Genome position (GRCh38, 1-based): chr5:153,705,938, G>A. VCF-style: chr5-153705938-G-A. GRCh37 (hg19) VCF-style: chr5-153085498-G-A.
Other names: c.1694G>A, p.Trp565Ter (NM_001114183.2); c.1454G>A, p.Trp485Ter (NM_001258019.2); c.1409G>A, p.Trp470Ter (NM_001258020.2); c.1724G>A, p.Trp575Ter (NM_001258021.2, NM_001258022.2); c.1487G>A, p.Trp496Ter (NM_001258023.1, NM_001364167.2); c.1526G>A, p.Trp509Ter (NM_001364165.2); c.1721G>A, p.Trp574Ter (NM_001364166.2); short protein forms W470*, W485*, W496*, W509*, W565*, W574*, W575*.
Identifiers: ClinVar variation 4879732 (VCV004879732.1).

ClinVar aggregate classification (germline): Uncertain significance (1 of 4 stars; one submission).

Conditions:
Intellectual developmental disorder, autosomal dominant 67 (MRD67). Also called: MENTAL RETARDATION, AUTOSOMAL DOMINANT 67. Identifiers: MedGen C5677006, MONDO:0030964, OMIM 619927.

Submission:

Victorian Clinical Genetics Services, Murdoch Childrens Research Institute
Classification: Uncertain significance for Intellectual developmental disorder, autosomal dominant 67. Last evaluated: 2026-02-24. Review status: criteria provided, single submitter. Criteria: ACMG Guidelines, 2015. Collection method: clinical testing. Allele origin: germline. Affected: yes.
Comment: This variant is classified as VUS-3A. Evidence in support of pathogenic classification: Variant is predicted to cause nonsense-mediated decay (NMD) and loss of protein (premature termination codon is located at least 54 nucleotides upstream of the final exon-exon junction); Variant is absent from gnomAD (v2, v3 and v4); Additional information: This variant is heterozygous; This gene is associated with autosomal dominant disease (OMIM). However, there is a single report of recessive disease (PMID: 35675825), therefore the association with biallelic disease is regarded as limited by ClinGen; This variant has no previous evidence of pathogenicity; No published evidence of segregation with disease has been identified for this variant; No published functional evidence has been identified for this variant; Other NMD-predicted variant(s) comparable to the one identified in this case have inconclusive previous evidence for pathogenicity. These variants have been classified as VUS or pathogenic by clinical laboratories in ClinVar, with the majority being VUS. One NMD-predicted variant has also been reported in a homozygous individual with a neurodevelopmental disorder in the literature, this is currently the only report of recessive disease in this gene (PMID: 35675825); Gain of function is a known mechanism of disease in this gene and is associated with intellectual developmental disorder 67 (MIM#619927). Gain of function has been shown for the recurrent p.(Ala636Thr) variant (PMID: 28628100). While loss of function has been suggested for other missense variants, dominant negative has not been excluded as a disease mechanism (PMIDs: 35675825, 38890806, 41018689) - Variants in this gene are known to have variable expressivity. Variable severity and symptoms have been reported in patients (PMID: 38890806).

Literature cited by the submitters: PubMed 28628100; PubMed 38890806; PubMed 35675825; PubMed 41018689.